The following is an entry in ClinVar:

NM_000038.6(APC):c.646-755A>T

Gene: APC (APC regulator of WNT signaling pathway; plus strand). Cytogenetic location: 5q22.2.
Variant type: single nucleotide variant.
Coding change: c.646-755A>T on transcript NM_000038.6 (MANE Select); 755 bases into the intron before coding-DNA position 646, A replaced by T.
Molecular consequence: intron variant.
Genome position (GRCh38, 1-based): chr5:112,791,691, A>T. VCF-style: chr5-112791691-A-T. GRCh37 (hg19) VCF-style: chr5-112127388-A-T.
Other names: c.646-755A>T (NM_001354895.2, NM_001127510.3, NM_001354896.2 and 1 more transcripts); c.676-755A>T (NM_001354897.2, NM_001354902.2); c.676-9588A>T (NM_001127511.3); c.571-755A>T (NM_001354898.2, NM_001354904.2); c.-390-755A>T (NM_001354906.2); c.646-9588A>T (NM_001354899.2); c.469-755A>T (NM_001354900.2, NM_001354901.2, NM_001354905.2).
Identifiers: ClinVar variation 82999 (VCV000082999.2), dbSNP rs75313670, ClinGen allele CA012121.
Genomic context (GRCh38, chr5:112,791,691, plus strand): 5'-CACGAAACCAGTCCCTGGTGCCAAAAAGGTTGGGGACCCTGATATTTATTAAAACAAATC[A>T]GATGTTCTTTCCCTTTACTGGTATACTATGTTTATATAAATTTATTATATTGTATTAATG-3'

ClinVar aggregate classification (germline): other (0 of 4 stars; one submission).

Conditions:
Familial colorectal cancer. Identifiers: MedGen CN280943, MONDO:0023113. Disease mechanism: loss of function.

Submission:

Systems Biology Platform Zhejiang California International NanoSystems Institute
Classification: other for Familial colorectal cancer. Review status: no assertion criteria provided. Collection method: not provided. Allele origin: unknown.
ClinVar note: Converted during submission from cancer to other.